The following is an entry in ClinVar:

ClinVar aggregate classification (germline): Uncertain significance (1 of 4 stars; one submission).

Conditions:
Inosine triphosphatase deficiency. Also called: INOSINE TRIPHOSPHATE PYROPHOSPHOHYDROLASE DEFICIENCY. Identifiers: MedGen C0342800, MONDO:0013461, OMIM 613850.

Allele frequency attached by ClinVar (database versions not stated): TOPMed below 0.00001.
gnomAD v4.1: 1 of 1,613,906 alleles (0.000062%); no homozygotes.

Submission:

Labcorp Genetics (formerly Invitae), Labcorp
Classification: Uncertain significance for Inosine triphosphatase deficiency. Last evaluated: 2022-08-21. Review status: criteria provided, single submitter. Criteria: Invitae Variant Classification Sherloc (09022015). Collection method: clinical testing. Allele origin: germline.
Comment: This sequence change replaces serine, which is neutral and polar, with asparagine, which is neutral and polar, at codon 121 of the ITPA protein (p.Ser121Asn). This variant is present in population databases (no rsID available, gnomAD 0.003%). This variant has not been reported in the literature in individuals affected with ITPA-related conditions. Algorithms developed to predict the effect of missense changes on protein structure and function (SIFT, PolyPhen-2, Align-GVGD) all suggest that this variant is likely to be tolerated. In summary, the available evidence is currently insufficient to determine the role of this variant in disease. Therefore, it has been classified as a Variant of Uncertain Significance.

NM_033453.4(ITPA):c.362G>A (p.Ser121Asn)

Gene: ITPA (inosine triphosphatase; plus strand). Cytogenetic location: 20p13.
Variant type: single nucleotide variant.
Coding change: c.362G>A on transcript NM_033453.4 (MANE Select); coding-DNA position 362, G replaced by A.
Protein change: p.Ser121Asn; replaces serine 121 with asparagine.
Molecular consequence: missense variant. On other transcripts: non-coding transcript variant (2).
Genome position (GRCh38, 1-based): chr20:3,218,583, G>A. VCF-style: chr20-3218583-G-A. GRCh37 (hg19) VCF-style: chr20-3199229-G-A.
Other names: c.239G>A, p.Ser80Asn (NM_001267623.2); c.25G>A, p.Ala9Thr (NM_001324236.2, NM_001324237.2, NM_001324238.2 and 1 more transcripts); c.362G>A, p.Ser121Asn (NM_001324240.2, NM_001424408.1); c.488G>A, p.Ser163Asn (NM_001424409.1); c.311G>A, p.Ser104Asn (NM_181493.4); short protein forms S121N, S80N, A9T, S104N, S163N.
Identifiers: ClinVar variation 2038261 (VCV002038261.1), dbSNP rs1279423399, ClinGen allele CA408079924.